The following is an entry in ClinVar:

ClinVar aggregate classification (germline): Uncertain significance. Review status: criteria provided, multiple submitters, no conflicts (2 of 4 stars). 2 submissions from 2 submitters: Uncertain significance (2). Last evaluated 2025-07-31.

Submissions (2):

GeneDx
Classification: Uncertain significance. Last evaluated: 2025-07-31. Review status: criteria provided, single submitter. Criteria: GeneDx Variant Classification Process June 2021. Collection method: clinical testing. Allele origin: germline. Affected: yes.
Comment: Not observed at significant frequency in large population cohorts (gnomAD); In silico analysis suggests that this missense variant does not alter protein structure/function; Has not been previously published as pathogenic or benign to our knowledge

CeGaT Center for Human Genetics Tuebingen
Classification: Uncertain significance. Last evaluated: 2023-09-01. Review status: criteria provided, single submitter. Criteria: CeGaT Center For Human Genetics Tuebingen Variant Classification Criteria Version 2. Collection method: clinical testing. Allele origin: germline. Affected: yes. Observed: 1 variant allele.
Comment: KDM6B: PM2, BP4

NM_001348716.2(KDM6B):c.3166C>T (p.Pro1056Ser)

Gene: KDM6B (lysine demethylase 6B; plus strand). Cytogenetic location: 17p13.1.
Variant type: single nucleotide variant.
Coding change: c.3166C>T on transcript NM_001348716.2 (MANE Select); coding-DNA position 3166, C replaced by T.
Protein change: p.Pro1056Ser; replaces proline 1056 with serine.
Molecular consequence: missense variant.
Genome position (GRCh38, 1-based): chr17:7,849,454, C>T. VCF-style: chr17-7849454-C-T. GRCh37 (hg19) VCF-style: chr17-7752772-C-T.
Other names: c.3166C>T, p.Pro1056Ser (NM_001080424.2); c.3166C>T (NM_001080424.1); short protein forms P1056S.
Identifiers: ClinVar variation 2647409 (VCV002647409.25), dbSNP rs2544528957, ClinGen allele CA397923030.